The following is an entry in ClinVar:

ClinVar aggregate classification (germline): Conflicting classifications of pathogenicity. Review status: criteria provided, conflicting classifications (1 of 4 stars). 2 submissions from 2 submitters: Uncertain significance (1); Likely benign (1). Last evaluated 2024-09-30.

Conditions:
Ataxia-telangiectasia syndrome (AT). Also called: LOUIS-BAR SYNDROME; Cerebello-oculocutaneous telangiectasia; Immunodeficiency with ataxia telangiectasia; Ataxia telangiectasia (A-T); Ataxia-telangiectasia, complementation group D; AT, COMPLEMENTATION GROUP C. Identifiers: Orphanet 100, MedGen C0004135, MONDO:0008840, OMIM 208900.
Hereditary cancer-predisposing syndrome. Also called: Tumor predisposition; Neoplastic Syndromes, Hereditary; Hereditary Cancer Syndrome; Hereditary neoplastic syndrome. Identifiers: Orphanet 140162, MedGen C0027672, MeSH D009386, MONDO:0015356.

Allele frequency attached by ClinVar (database versions not stated): gnomAD exomes below 0.00001.
gnomAD v4.1: 3 of 1,611,716 alleles (0.00019%); highest among the groups gnomAD compares: Non-Finnish European, 0.00025%; no homozygotes.

Submissions (2):

Ambry Genetics
Classification: Likely benign for Hereditary cancer-predisposing syndrome. Last evaluated: 2024-09-30. Review status: criteria provided, single submitter. Criteria: Ambry Variant Classification Scheme 2023. Collection method: clinical testing. Allele origin: germline.

Labcorp Genetics (formerly Invitae), Labcorp
Classification: Uncertain significance for Ataxia-telangiectasia syndrome. Last evaluated: 2023-06-14. Review status: criteria provided, single submitter. Criteria: Invitae Variant Classification Sherloc (09022015). Collection method: clinical testing. Allele origin: germline.
Comment: This variant has not been reported in the literature in individuals affected with ATM-related conditions. This variant is not present in population databases (gnomAD no frequency). This sequence change replaces isoleucine, which is neutral and non-polar, with leucine, which is neutral and non-polar, at codon 2260 of the ATM protein (p.Ile2260Leu). An algorithm developed to predict the effect of missense changes on protein structure and function (PolyPhen-2) suggests that this variant is likely to be tolerated. In summary, the available evidence is currently insufficient to determine the role of this variant in disease. Therefore, it has been classified as a Variant of Uncertain Significance.

NM_000051.4(ATM):c.6778A>T (p.Ile2260Leu)

Genes: ATM (ATM serine/threonine kinase; plus strand), C11orf65 (chromosome 11 open reading frame 65; minus strand). Cytogenetic location: 11q22.3.
Variant type: single nucleotide variant.
Coding change: c.6778A>T on transcript NM_000051.4 (MANE Select); coding-DNA position 6778, A replaced by T.
Protein change: p.Ile2260Leu; replaces isoleucine 2260 with leucine.
Molecular consequence: missense variant. On other transcripts: intron variant (2).
Genome position (GRCh38, 1-based): chr11:108,325,515, A>T. VCF-style: chr11-108325515-A-T. GRCh37 (hg19) VCF-style: chr11-108196242-A-T.
Other names: c.6778A>T, p.Ile2260Leu (NM_001351834.2); c.641-16444T>A (NM_001330368.2); c.*38+9705T>A (NM_001351110.2); short protein forms I2260L.
Identifiers: ClinVar variation 2713632 (VCV002713632.4), dbSNP rs1365474284, ClinGen allele CA382555447.